The following is an entry in ClinVar:

NM_000169.3(GLA):c.847C>A (p.Gln283Lys)

Genes: GLA (galactosidase alpha; minus strand), RPL36A-HNRNPH2 (RPL36A-HNRNPH2 readthrough; plus strand). Cytogenetic location: Xq22.1.
Variant type: single nucleotide variant.
Coding change: c.847C>A on transcript NM_000169.3 (MANE Select); coding-DNA position 847, C replaced by A.
Protein change: p.Gln283Lys; replaces glutamine 283 with lysine.
Molecular consequence: missense variant. On other transcripts: non-coding transcript variant (3), intron variant (2).
Genome position (GRCh38, 1-based): chrX:101,398,522, G>T on the plus strand (C>A on the coding strand, the complement: GLA is on the minus strand). VCF-style: chrX-101398522-G-T. GRCh37 (hg19) VCF-style: chrX-100653510-G-T.
Other names: c.970C>A, p.Gln324Lys (NM_001406747.1); c.847C>A, p.Gln283Lys (NM_001406748.1); c.300+3065G>T (NM_001199973.2); c.177+6700G>T (NM_001199974.2); short protein forms Q283K, Q324K.
Identifiers: ClinVar variation 4087548 (VCV004087548.2).

ClinVar aggregate classification (germline): Uncertain significance (1 of 4 stars; one submission).

Conditions:
Fabry disease. Also called: ALPHA-GALACTOSIDASE A DEFICIENCY; ANDERSON-FABRY DISEASE; CERAMIDE TRIHEXOSIDASE DEFICIENCY; GLA DEFICIENCY; HEREDITARY DYSTOPIC LIPIDOSIS; Angiokeratoma corporis diffusum. Identifiers: Orphanet 324, MedGen C0002986, MONDO:0010526, OMIM 301500, HP:0001071. Disease mechanism: Fabry disease is due to inactivating mutations in the X-linked GLA gene resulting in deficiency of the enzyme Alpha Galactosidase-A., loss of function.

Submission:

Genomenon, Inc
Classification: Uncertain significance for Fabry disease. Last evaluated: 2026-09-08. Review status: criteria provided, single submitter. Criteria: Genomenon Sequence Variant Interpretation Standards - Updated. Collection method: curation. Allele origin: germline. Affected: yes.
Comment: GLA p.Gln283Lys (c.847C>A) is a missense variant that changes the amino acid at codon 283 from Glutamine to Lysine. This variant has been observed in at least one proband with clinical features consistent with Fabry disease (PMID:38002959). It is absent or not present at a significant frequency in gnomAD. In silico models predict that this variant is possibly or probably damaging. In conclusion, we classify GLA p.Gln283Lys (c.847C>A) as a variant of uncertain significance.

Literature cited by the submitters: PubMed 38002959.